The following is an entry in ClinVar:

NC_000009.12:g.(?_108930987)_(108931156_?)del

Gene: ELP1 (elongator acetyltransferase complex subunit 1; minus strand). Cytogenetic location: 9q31.3.
Variant type: Deletion.
Identifiers: ClinVar variation 831934 (VCV000831934.5).

ClinVar aggregate classification (germline): Pathogenic (1 of 4 stars; one submission).

Submission:

Labcorp Genetics (formerly Invitae), Labcorp
Classification: Pathogenic. Last evaluated: 2019-10-19. Review status: criteria provided, single submitter. Criteria: Invitae Variant Classification Sherloc (09022015). Collection method: clinical testing. Allele origin: germline.
Comment: For these reasons, this variant has been classified as Pathogenic. Loss-of-function variants in ELP1 are known to be pathogenic (PMID: 18303054, 24173031). This variant is a gross deletion of the genomic region encompassing exon 2 of the ELP1 gene, which includes the initiator codon. The 5' end of this event is unknown as it extends beyond the assayed region for this gene and therefore may encompass additional genes. The 3' boundary is likely confined to intron 2 of the ELP1 gene. This is expected to result in an absent or disrupted protein product. This variant has not been reported in the literature in individuals with ELP1-related conditions.

Literature cited by the submitters: PubMed 18303054; PubMed 24173031.